The following is an entry in ClinVar:

ClinVar aggregate classification (germline): Pathogenic (1 of 4 stars; one submission).

Conditions:
Abetalipoproteinaemia (ABL). Also called: MTP DEFICIENCY; Abetalipoproteinemia; Abetalipoproteinemia neuropathy; Apolipoprotein B deficiency; Congenital betalipoprotein deficiency syndrome. Identifiers: Orphanet 14, MedGen C0000744, MONDO:0008692, OMIM 200100, HP:0008181.

Submission:

Myriad Genetics, Inc.
Classification: Pathogenic for Abetalipoproteinaemia. Last evaluated: 2024-05-14. Review status: criteria provided, single submitter. Criteria: Myriad Autosomal Dominant, Autosomal Recessive and X-Linked Classification Criteria (2023). Collection method: clinical testing. Allele origin: unknown.
Comment: NM_000253.2(MTTP):c.111_112ins7(Y38Lfs*6) is expected to be pathogenic in the context of abetalipoproteinemia. This variant is predicted to lead to an abnormal or absent protein product due to the creation of a premature termination codon in MTTP, a gene where loss-of-function variants are known to be pathogenic. Please note: this variant was assessed in the context of healthy population screening.

NM_001386140.1(MTTP):c.111_112insCTGTCTC (p.Tyr38fs)

Gene: MTTP (microsomal triglyceride transfer protein; plus strand). Cytogenetic location: 4q23.
Variant type: Insertion.
Coding change: c.111_112insCTGTCTC on transcript NM_001386140.1 (MANE Select); coding-DNA positions 111 to 112, CTGTCTC inserted.
Protein change: p.Tyr38fs; shifts the reading frame from tyrosine 38.
Molecular consequence: frameshift variant. On other transcripts: 5 prime UTR variant (1).
Genome position: GRCh38 VCF-style: chr4-99581954-G-GCTGTCTC. GRCh37 (hg19) VCF-style: chr4-100503111-G-GCTGTCTC.
Other names: c.111_112insCTGTCTC, p.Tyr38fs (NM_000253.4); c.-139_-138insCTGTCTC (NM_001300785.2); short protein forms Y38fs.
Identifiers: ClinVar variation 5011082 (VCV005011082.1).